The following is an entry in ClinVar:

NM_000138.5(FBN1):c.2560T>C (p.Trp854Arg)

Gene: FBN1 (fibrillin 1; minus strand). Cytogenetic location: 15q21.1.
Variant type: single nucleotide variant.
Coding change: c.2560T>C on transcript NM_000138.5 (MANE Select); coding-DNA position 2560, T replaced by C.
Protein change: p.Trp854Arg; replaces tryptophan 854 with arginine.
Molecular consequence: missense variant.
Genome position (GRCh38, 1-based): chr15:48,495,240, A>G on the plus strand (T>C on the coding strand, the complement: FBN1 is on the minus strand). VCF-style: chr15-48495240-A-G. GRCh37 (hg19) VCF-style: chr15-48787437-A-G.
Other names: short protein forms W854R.
Identifiers: ClinVar variation 837264 (VCV000837264.26), dbSNP rs2043596204, ClinGen allele CA392332866.

ClinVar aggregate classification (germline): Conflicting classifications of pathogenicity. Review status: criteria provided, conflicting classifications (1 of 4 stars). 2 submissions from 2 submitters: Likely pathogenic (1); Uncertain significance (1). Last evaluated 2022-11-29.

Conditions:
Familial thoracic aortic aneurysm and aortic dissection (TAAD). Also called: Thoracic aortic aneurysms and dissections. Identifiers: Orphanet 91387, MedGen C4707243, MONDO:0019625.
Marfan syndrome (MFS). Also called: FBN1-Related Marfan Syndrome; Marfan's syndrome; MARFAN SYNDROME, TYPE I; Marfan syndrome type 1; Marfan syndrome, classic. Identifiers: Orphanet 284963, Orphanet 558, MedGen C0024796, MONDO:0007947, OMIM 154700.

Submissions (2):

Labcorp Genetics (formerly Invitae), Labcorp
Classification: Likely pathogenic for Marfan syndrome; Familial thoracic aortic aneurysm and aortic dissection. Last evaluated: 2022-11-29. Review status: criteria provided, single submitter. Criteria: Invitae Variant Classification Sherloc (09022015). Collection method: clinical testing. Allele origin: germline.
Comment: This variant is not present in population databases (gnomAD no frequency). This missense change has been observed in individual(s) with Marfan syndrome (PMID: 25907466). ClinVar contains an entry for this variant (Variation ID: 837264). Advanced modeling of protein sequence and biophysical properties (such as structural, functional, and spatial information, amino acid conservation, physicochemical variation, residue mobility, and thermodynamic stability) performed at Invitae indicates that this missense variant is expected to disrupt FBN1 protein function. This variant disrupts the p.Trp854 amino acid residue in FBN1. Other variant(s) that disrupt this residue have been observed in individuals with FBN1-related conditions (PMID: 25652356; Invitae), which suggests that this may be a clinically significant amino acid residue. In summary, the currently available evidence indicates that the variant is pathogenic, but additional data are needed to prove that conclusively. Therefore, this variant has been classified as Likely Pathogenic. This sequence change replaces tryptophan, which is neutral and slightly polar, with arginine, which is basic and polar, at codon 854 of the FBN1 protein (p.Trp854Arg).

Centre of Medical Genetics, University of Antwerp
Classification: Uncertain significance for Marfan syndrome. Last evaluated: 2021-03-01. Review status: criteria provided, single submitter. Criteria: Submitter's publication. Collection method: research. Allele origin: unknown. Affected: yes. Observed: 2 variant alleles.
Comment: PM2, PP3, PP1, PP4

Literature cited by the submitters: PubMed 25907466 (cited by Labcorp Genetics (formerly Invitae), Labcorp); PubMed 25652356 (cited by Labcorp Genetics (formerly Invitae), Labcorp).